The following is an entry in ClinVar:

NM_001382391.1(CSPP1):c.2824A>G (p.Ile942Val)

Gene: CSPP1 (centrosome and spindle pole associated protein 1; plus strand). Cytogenetic location: 8q13.2.
Variant type: single nucleotide variant.
Coding change: c.2824A>G on transcript NM_001382391.1 (MANE Select); coding-DNA position 2824, A replaced by G.
Protein change: p.Ile942Val; replaces isoleucine 942 with valine.
Molecular consequence: missense variant.
Genome position (GRCh38, 1-based): chr8:67,164,504, A>G. VCF-style: chr8-67164504-A-G. GRCh37 (hg19) VCF-style: chr8-68076739-A-G.
Other names: c.1774A>G, p.Ile592Val (NM_001291339.2); c.2743A>G, p.Ile915Val (NM_001363131.2); c.2629A>G, p.Ile877Val (NM_001363132.2); c.2548A>G, p.Ile850Val (NM_001363133.2); c.2890A>G, p.Ile964Val (NM_001364869.1); c.2710A>G, p.Ile904Val (NM_001364870.1); c.2809A>G, p.Ile937Val (NM_024790.7); short protein forms I904V, I937V, I877V, I915V, I592V, I942V, I850V, I964V.
Identifiers: ClinVar variation 2190871 (VCV002190871.2), dbSNP rs747687393, ClinGen allele CA4770953.

ClinVar aggregate classification (germline): Uncertain significance. Review status: criteria provided, multiple submitters, no conflicts (2 of 4 stars). 2 submissions from 2 submitters: Uncertain significance (2). Last evaluated 2025-01-10.

Conditions:
Inborn genetic diseases. Identifiers: MedGen C0950123, MeSH D030342.
Joubert syndrome 21 (JBTS21). Identifiers: MedGen C3810212, MONDO:0014288, OMIM 615636.

Allele frequency attached by ClinVar (database versions not stated): gnomAD exomes 0.00001; TOPMed 0.00001; ExAC 0.00002; gnomAD 0.00002.
gnomAD v4.1: 17 of 1,486,044 alleles (0.0011%); highest among the groups gnomAD compares: Middle Eastern, 0.017%; no homozygotes.

Submissions (2):

Ambry Genetics
Classification: Uncertain significance for Inborn genetic diseases. Last evaluated: 2025-01-10. Review status: criteria provided, single submitter. Criteria: Ambry Variant Classification Scheme 2023. Collection method: clinical testing. Allele origin: germline.

Labcorp Genetics (formerly Invitae), Labcorp
Classification: Uncertain significance for Joubert syndrome 21. Last evaluated: 2022-02-14. Review status: criteria provided, single submitter. Criteria: Invitae Variant Classification Sherloc (09022015). Collection method: clinical testing. Allele origin: germline.
Comment: This sequence change replaces isoleucine, which is neutral and non-polar, with valine, which is neutral and non-polar, at codon 937 of the CSPP1 protein (p.Ile937Val). The frequency data for this variant in the population databases is considered unreliable, as metrics indicate poor data quality at this position in the gnomAD database. This variant has not been reported in the literature in individuals affected with CSPP1-related conditions. Algorithms developed to predict the effect of missense changes on protein structure and function (SIFT, PolyPhen-2, Align-GVGD) all suggest that this variant is likely to be tolerated. In summary, the available evidence is currently insufficient to determine the role of this variant in disease. Therefore, it has been classified as a Variant of Uncertain Significance.